The following is an entry in ClinVar:

ClinVar aggregate classification (germline): Conflicting classifications of pathogenicity. Review status: criteria provided, conflicting classifications (1 of 4 stars). 2 submissions from 2 submitters: Likely pathogenic (1); Uncertain significance (1). Last evaluated 2026-04-22.

Conditions:
Developmental and epileptic encephalopathy, 17 (DEE17). Also called: Early infantile epileptic encephalopathy 17. Identifiers: Orphanet 1934, MedGen C3809606, MONDO:0014199, OMIM 615473.

gnomAD v4.1: 1 of 1,610,688 alleles (0.000062%); highest among the groups gnomAD compares: Non-Finnish European, 0.000085%; no homozygotes.

Submissions (2):

Victorian Clinical Genetics Services, Murdoch Childrens Research Institute
Classification: Likely pathogenic for Developmental and epileptic encephalopathy, 17. Last evaluated: 2026-04-22. Review status: criteria provided, single submitter. Criteria: ACMG Guidelines, 2015. Collection method: clinical testing. Allele origin: germline. Affected: yes.
Comment: This variant is classified as Likely pathogenic. Evidence in support of pathogenic classification: Variant is present in gnomAD <0.001 for a dominant condition (v4: 1 heterozygote(s), 0 homozygote(s)); Additional information: Variant is predicted to result in a missense amino acid change from Arg to Gln; This variant is heterozygous; This gene is associated with autosomal dominant disease; Alternative amino acid change(s) at the same position are present in gnomAD (highest allele count: v4: 1 heterozygote(s), 0 homozygote(s)); This variant has no previous evidence of pathogenicity; No published evidence of segregation with disease has been identified for this variant; No published functional evidence has been identified for this variant; No comparable missense variants have previous evidence for pathogenicity; Variant is located in the annotated G-protein alpha subunit domain (DECIPHER); Missense variant with inconclusive in silico prediction and/or uninformative conservation; Both loss and gain of function are known mechanisms of disease for this gene. Loss of function variants are found throughout the protein, and result in developmental and epileptic encephalopathy 17 (MIM#615473). Gain of function variants cluster near amino acid 184 and within the RGS binding domain, causing neurodevelopmental disorder with involuntary movements (MIM#617493) (PMID: 28747448, OMIM); Variants in this gene are known to have variable expressivity (PMID: 37956232).

Blueprint Genetics
Classification: Uncertain significance. Last evaluated: 2024-11-20. Review status: criteria provided, single submitter. Criteria: ACMG Guidelines, 2015. Collection method: clinical testing. Allele origin: germline.

Literature cited by the submitters: PubMed 28747448 (cited by Victorian Clinical Genetics Services, Murdoch Childrens Research Institute); PubMed 37956232 (cited by Victorian Clinical Genetics Services, Murdoch Childrens Research Institute).

NM_020988.3(GNAO1):c.44G>A (p.Arg15Gln)

Gene: GNAO1 (G protein subunit alpha o1; plus strand). Cytogenetic location: 16q13.
Variant type: single nucleotide variant.
Coding change: c.44G>A on transcript NM_020988.3 (MANE Select); coding-DNA position 44, G replaced by A.
Protein change: p.Arg15Gln; replaces arginine 15 with glutamine.
Molecular consequence: missense variant.
Genome position (GRCh38, 1-based): chr16:56,192,279, G>A. VCF-style: chr16-56192279-G-A. GRCh37 (hg19) VCF-style: chr16-56226191-G-A.
Other names: c.44G>A, p.Arg15Gln (NM_138736.3); short protein forms R15Q.
Identifiers: ClinVar variation 4879635 (VCV004879635.2).